The following is an entry in ClinVar:

ClinVar aggregate classification (germline): Uncertain significance. Review status: criteria provided, multiple submitters, no conflicts (2 of 4 stars). 2 submissions from 2 submitters: Uncertain significance (2). Last evaluated 2024-08-29.

Conditions:
Wilson disease (WND). Also called: Wilson's disease. Identifiers: Orphanet 905, MedGen C0019202, MONDO:0010200, OMIM 277900. Disease mechanism: loss of function.

Submissions (2):

Lildballe Lab, Aarhus University Hospital
Classification: Uncertain significance for Wilson disease. Last evaluated: 2024-08-29. Review status: criteria provided, single submitter. Criteria: ACMG Guidelines, 2015. Collection method: clinical testing. Allele origin: germline. Affected: yes.
Comment: PM2, PM1

Mayo Clinic Laboratories, Mayo Clinic
Classification: Uncertain significance. Last evaluated: 2023-02-22. Review status: criteria provided, single submitter. Criteria: ACMG Guidelines, 2015. Collection method: clinical testing. Allele origin: germline. Observed: 1 variant allele.
Comment: PM2

NM_000053.4(ATP7B):c.1953G>C (p.Lys651Asn)

Gene: ATP7B (ATPase copper transporting beta; minus strand). Cytogenetic location: 13q14.3.
Variant type: single nucleotide variant.
Coding change: c.1953G>C on transcript NM_000053.4 (MANE Select); coding-DNA position 1953, G replaced by C.
Protein change: p.Lys651Asn; replaces lysine 651 with asparagine.
Molecular consequence: missense variant. On other transcripts: intron variant (13).
Genome position (GRCh38, 1-based): chr13:51,960,316, C>G on the plus strand (G>C on the coding strand, the complement: ATP7B is on the minus strand). VCF-style: chr13-51960316-C-G. GRCh37 (hg19) VCF-style: chr13-52534452-C-G.
Other names: p.Lys651Asn; c.1870-2709G>C (NM_001406546.1, NM_001406542.1, NM_001406541.1 and 1 more transcripts); c.1870-1772G>C (NM_001406540.1, NM_001330579.2, NM_001406531.1 and 1 more transcripts); c.1774-2709G>C (NM_001406544.1); c.1620G>C, p.Lys540Asn (NM_001243182.2); c.1953G>C, p.Lys651Asn (NM_001330578.2, NM_001406511.1, NM_001406512.1 and 16 more transcripts); c.1920G>C, p.Lys640Asn (NM_001406514.1, NM_001406524.1); c.1857G>C, p.Lys619Asn (NM_001406517.1, NM_001406518.1, NM_001406530.1 and 1 more transcripts); and 4 more; short protein forms K508N, K540N, K619N, K640N, K651N.
Identifiers: ClinVar variation 2683233 (VCV002683233.2), dbSNP rs2547725846, ClinGen allele CA388026126.
Genomic context (GRCh38, chr13:51,960,316, plus strand): 5'-CATATAGATCATTAAGGCCATGACAGGGATGCCAAACACCAGGCTGCACAGGAAAGACTT[C>G]TTCCACCTGGAAAGCAAATGCAGCAACACAGATATATCAGATGCTGCTTGTCACCTGGAT-3'
Protein context (NP_000044.2, residues 641-661): LDHKMEIKQW[Lys651Asn]KSFLCSLVFG